The following is an entry in ClinVar:

ClinVar aggregate classification (germline): Uncertain significance (1 of 4 stars; one submission).

Conditions:
Kleefstra syndrome 1 (KLEFS1). Identifiers: Orphanet 261494, MedGen C0795833, MONDO:0027407, OMIM 610253.

gnomAD v4.1: 1 of 1,613,132 alleles (0.000062%); highest among the groups gnomAD compares: South Asian, 0.0011%; no homozygotes.

Submission:

Labcorp Genetics (formerly Invitae), Labcorp
Classification: Uncertain significance for Kleefstra syndrome 1. Last evaluated: 2024-04-25. Review status: criteria provided, single submitter. Criteria: Invitae Variant Classification Sherloc (09022015). Collection method: clinical testing. Allele origin: germline.
Comment: This sequence change replaces serine, which is neutral and polar, with arginine, which is basic and polar, at codon 122 of the EHMT1 protein (p.Ser122Arg). This variant is not present in population databases (gnomAD no frequency). This variant has not been reported in the literature in individuals affected with EHMT1-related conditions. An algorithm developed to predict the effect of missense changes on protein structure and function (PolyPhen-2) suggests that this variant is likely to be disruptive. In summary, the available evidence is currently insufficient to determine the role of this variant in disease. Therefore, it has been classified as a Variant of Uncertain Significance.

NM_024757.5(EHMT1):c.364A>C (p.Ser122Arg)

Gene: EHMT1 (euchromatic histone lysine methyltransferase 1; plus strand). Cytogenetic location: 9q34.3.
Variant type: single nucleotide variant.
Coding change: c.364A>C on transcript NM_024757.5 (MANE Select); coding-DNA position 364, A replaced by C.
Protein change: p.Ser122Arg; replaces serine 122 with arginine.
Molecular consequence: missense variant.
Genome position (GRCh38, 1-based): chr9:137,716,904, A>C. VCF-style: chr9-137716904-A-C. GRCh37 (hg19) VCF-style: chr9-140611356-A-C.
Other names: c.364A>C, p.Ser122Arg (NM_001354263.2, NM_001354611.2, NM_001145527.2); c.271A>C, p.Ser91Arg (NM_001354612.2, NM_001354259.2); short protein forms S91R, S122R.
Identifiers: ClinVar variation 2745268 (VCV002745268.3), dbSNP rs2541033816, ClinGen allele CA375764603.